The following is an entry in ClinVar:

NM_000426.4(LAMA2):c.6268+193C>T

Genes: LAMA2 (laminin subunit alpha 2; plus strand), LOC123864065 (Sharpr-MPRA regulatory region 661; plus strand). Cytogenetic location: 6q22.33.
Variant type: single nucleotide variant.
Coding change: c.6268+193C>T on transcript NM_000426.4 (MANE Select); 193 bases into the intron after coding-DNA position 6268, C replaced by T.
Molecular consequence: intron variant.
Genome position (GRCh38, 1-based): chr6:129,441,191, C>T. VCF-style: chr6-129441191-C-T. GRCh37 (hg19) VCF-style: chr6-129762336-C-T.
Other names: c.6268+193C>T (NM_001079823.2).
Identifiers: ClinVar variation 678262 (VCV000678262.1), dbSNP rs56286736, ClinGen allele CA146917467.
Genomic context (GRCh38, chr6:129,441,191, plus strand): 5'-CCTCAGAAATTGAGTGTCATGCAGTTCCAAAGCTGGAATCCAAGTCTTCTAGCTCTGCCC[C>T]GGTGCTTTTTTCCTCTGAAATTTTTCCAGTTGAGAAGAGATTAGGAATTCTCAAGGTGTG-3'

ClinVar aggregate classification (germline): Benign (1 of 4 stars; one submission).

Allele frequency attached by ClinVar (database versions not stated): TOPMed 0.02902; gnomAD 0.02526; 1000 Genomes Project 0.03035; 1000 Genomes Project 30x 0.03092.
gnomAD v4.1: 3,909 of 152,150 alleles (2.6%); highest among the groups gnomAD compares: African/African-American, 8.9%; 169 homozygotes.

Submission:

GeneDx
Classification: Benign. Last evaluated: 2018-06-19. Review status: criteria provided, single submitter. Criteria: GeneDx Variant Classification (06012015). Collection method: clinical testing. Allele origin: germline. Affected: yes.
Comment: This variant is considered likely benign or benign based on one or more of the following criteria: it is a conservative change, it occurs at a poorly conserved position in the protein, it is predicted to be benign by multiple in silico algorithms, and/or has population frequency not consistent with disease.